The following is an entry in ClinVar:

NM_000384.3(APOB):c.6752A>G (p.Asn2251Ser)

Gene: APOB (apolipoprotein B; minus strand). Cytogenetic location: 2p24.1.
Variant type: single nucleotide variant.
Coding change: c.6752A>G on transcript NM_000384.3 (MANE Select); coding-DNA position 6752, A replaced by G.
Protein change: p.Asn2251Ser; replaces asparagine 2251 with serine.
Molecular consequence: missense variant.
Genome position (GRCh38, 1-based): chr2:21,010,116, T>C on the plus strand (A>G on the coding strand, the complement: APOB is on the minus strand). VCF-style: chr2-21010116-T-C. GRCh37 (hg19) VCF-style: chr2-21232988-T-C.
Other names: short protein forms N2251S.
Identifiers: ClinVar variation 2502152 (VCV002502152.3), dbSNP rs2465370718, ClinGen allele CA346000807.

ClinVar aggregate classification (germline): Uncertain significance. Review status: criteria provided, multiple submitters, no conflicts (2 of 4 stars). 2 submissions from 2 submitters: Uncertain significance (2). Last evaluated 2025-03-09.

Conditions:
Familial hypobetalipoproteinemia 1. Also called: APOB-Related Familial Hypobetalipoproteinemia; Hypobetalipoproteinemia, normotriglyceridemic; Acanthocytosis with hypobetalipoproteinemia. Identifiers: MedGen C4551990, MONDO:0014252, OMIM 615558.
Hypercholesterolemia, autosomal dominant, type B (FHCL2). Also called: APOLIPOPROTEIN B-100, FAMILIAL DEFECTIVE; APOLIPOPROTEIN B-100, FAMILIAL LIGAND-DEFECTIVE; HYPERCHOLESTEROLEMIA, FAMILIAL, DUE TO LIGAND-DEFECTIVE APOLIPOPROTEIN B; Familial Hypercholesterolemia Type B; APOB-Related Familial Hypercholesterolemia, Autosomal Dominant; Hyperlipoproteinemia Type IIb. Identifiers: MedGen C1704417, MONDO:0007751, OMIM 144010.

Allele frequency attached by ClinVar (database versions not stated): gnomAD exomes below 0.00001.
gnomAD v4.1: 1 of 1,612,504 alleles (0.000062%); highest among the groups gnomAD compares: Non-Finnish European, 0.000085%; no homozygotes.

Submissions (2):

GeneDx
Classification: Uncertain significance. Last evaluated: 2025-03-09. Review status: criteria provided, single submitter. Criteria: GeneDx Variant Classification Process June 2021. Collection method: clinical testing. Allele origin: germline. Affected: yes.
Comment: Not observed at significant frequency in large population cohorts (gnomAD); In silico analysis supports that this missense variant has a deleterious effect on protein structure/function; Has not been previously published as pathogenic or benign to our knowledge

New York Genome Center
Classification: Uncertain significance for Familial hypobetalipoproteinemia 1; Hypercholesterolemia, autosomal dominant, type B. Last evaluated: 2022-04-22. Review status: criteria provided, single submitter. Criteria: NYGC Assertion Criteria 2020. Collection method: clinical testing. Allele origin: germline. Observed: 1 heterozygote.